The following is an entry in ClinVar:

ClinVar aggregate classification (germline): Pathogenic (1 of 4 stars; one submission).

Conditions:
Familial hypobetalipoproteinemia 1. Also called: APOB-Related Familial Hypobetalipoproteinemia; Hypobetalipoproteinemia, normotriglyceridemic; Acanthocytosis with hypobetalipoproteinemia. Identifiers: MedGen C4551990, MONDO:0014252, OMIM 615558.
Hypercholesterolemia, autosomal dominant, type B (FHCL2). Also called: Familial Hypercholesterolemia Type B; APOLIPOPROTEIN B-100, FAMILIAL DEFECTIVE; APOLIPOPROTEIN B-100, FAMILIAL LIGAND-DEFECTIVE; HYPERCHOLESTEROLEMIA, FAMILIAL, DUE TO LIGAND-DEFECTIVE APOLIPOPROTEIN B; Hyperlipoproteinemia Type IIb; Familial hypercholesterolemia 2. Identifiers: MedGen C1704417, MONDO:0007751, OMIM 144010.

Submission:

Labcorp Genetics (formerly Invitae), Labcorp
Classification: Pathogenic for Familial hypobetalipoproteinemia 1; Hypercholesterolemia, autosomal dominant, type B. Last evaluated: 2024-01-18. Review status: criteria provided, single submitter. Criteria: Invitae Variant Classification Sherloc (09022015). Collection method: clinical testing. Allele origin: germline.
Comment: This sequence change creates a premature translational stop signal (p.Gln2382*) in the APOB gene. It is expected to result in an absent or disrupted protein product. Loss-of-function variants in APOB are known to be pathogenic (PMID: 20032471). This variant is not present in population databases (gnomAD no frequency). This variant has not been reported in the literature in individuals affected with APOB-related conditions. For these reasons, this variant has been classified as Pathogenic.

Literature cited by the submitters: PubMed 20032471.

NM_000384.3(APOB):c.7144C>T (p.Gln2382Ter)

Gene: APOB (apolipoprotein B; minus strand). Cytogenetic location: 2p24.1.
Variant type: single nucleotide variant.
Coding change: c.7144C>T on transcript NM_000384.3 (MANE Select); coding-DNA position 7144, C replaced by T.
Protein change: p.Gln2382Ter; replaces glutamine 2382 with a stop codon.
Molecular consequence: nonsense.
Genome position (GRCh38, 1-based): chr2:21,009,724, G>A on the plus strand (C>T on the coding strand, the complement: APOB is on the minus strand). VCF-style: chr2-21009724-G-A. GRCh37 (hg19) VCF-style: chr2-21232596-G-A.
Other names: short protein forms Q2382*.
Identifiers: ClinVar variation 2933458 (VCV002933458.3), dbSNP rs2465369830, ClinGen allele CA345997900.